The following is an entry in ClinVar:

ClinVar aggregate classification (germline): Likely benign (0 of 4 stars; one submission).

Conditions:
CABIN1-related disorder. Also called: CABIN1-related condition.

Allele frequency attached by ClinVar (database versions not stated): gnomAD exomes 0.00011; ExAC 0.00031; 1000 Genomes Project 30x 0.00094; 1000 Genomes Project 0.00100; gnomAD 0.00100; ESP Exome Variant Server 0.00108; TOPMed 0.00119.
gnomAD v4.1: 312 of 1,614,122 alleles (0.019%); highest among the groups gnomAD compares: African/African-American, 0.37%; 1 homozygote.

Submission:

PreventionGenetics, part of Exact Sciences
Classification: Likely benign for CABIN1-related condition. Last evaluated: 2023-03-13. Review status: no assertion criteria provided. Collection method: clinical testing. Allele origin: germline.
Comment: This variant is classified as likely benign based on ACMG/AMP sequence variant interpretation guidelines (Richards et al. 2015 PMID: 25741868, with internal and published modifications).

NM_012295.4(CABIN1):c.4230G>C (p.Lys1410Asn)

Gene: CABIN1 (calcineurin binding protein 1; plus strand). Cytogenetic location: 22q11.23.
Variant type: single nucleotide variant.
Coding change: c.4230G>C on transcript NM_012295.4 (MANE Select); coding-DNA position 4230, G replaced by C.
Protein change: p.Lys1410Asn; replaces lysine 1410 with asparagine.
Molecular consequence: missense variant.
Genome position (GRCh38, 1-based): chr22:24,113,678, G>C. VCF-style: chr22-24113678-G-C. GRCh37 (hg19) VCF-style: chr22-24509645-G-C.
Other names: c.4230G>C, p.Lys1410Asn (NM_001199281.1); c.4080G>C, p.Lys1360Asn (NM_001201429.2); short protein forms K1360N, K1410N.
Identifiers: ClinVar variation 3039561 (VCV003039561.2), dbSNP rs149239737, ClinGen allele CA10149414.